The following is an entry in ClinVar:

ClinVar aggregate classification (germline): Uncertain significance (1 of 4 stars; one submission).

Allele frequency attached by ClinVar (database versions not stated): gnomAD exomes below 0.00001; gnomAD 0.00001.
gnomAD v4.1: 8 of 1,612,188 alleles (0.0005%); highest among the groups gnomAD compares: South Asian, 0.0011%; no homozygotes.

Submission:

Labcorp Genetics (formerly Invitae), Labcorp
Classification: Uncertain significance. Last evaluated: 2024-11-27. Review status: criteria provided, single submitter. Criteria: Invitae Variant Classification Sherloc (09022015). Collection method: clinical testing. Allele origin: germline.
Comment: This sequence change replaces arginine, which is basic and polar, with glutamine, which is neutral and polar, at codon 1384 of the EPRS protein (p.Arg1384Gln). This variant is not present in population databases (gnomAD no frequency). This variant has not been reported in the literature in individuals affected with EPRS-related conditions. ClinVar contains an entry for this variant (Variation ID: 1680856). An algorithm developed to predict the effect of missense changes on protein structure and function (PolyPhen-2) suggests that this variant is likely to be disruptive. In summary, the available evidence is currently insufficient to determine the role of this variant in disease. Therefore, it has been classified as a Variant of Uncertain Significance.

NM_004446.3(EPRS1):c.4151G>A (p.Arg1384Gln)

Gene: EPRS1 (glutamyl-prolyl-tRNA synthetase 1; minus strand). Cytogenetic location: 1q41.
Variant type: single nucleotide variant.
Coding change: c.4151G>A on transcript NM_004446.3 (MANE Select); coding-DNA position 4151, G replaced by A.
Protein change: p.Arg1384Gln; replaces arginine 1384 with glutamine.
Molecular consequence: missense variant.
Genome position (GRCh38, 1-based): chr1:219,973,331, C>T on the plus strand (G>A on the coding strand, the complement: EPRS1 is on the minus strand). VCF-style: chr1-219973331-C-T. GRCh37 (hg19) VCF-style: chr1-220146673-C-T.
Other names: short protein forms R1384Q.
Identifiers: ClinVar variation 1680856 (VCV001680856.7), dbSNP rs1660704902, ClinGen allele CA344627260.